The following is an entry in ClinVar:

ClinVar aggregate classification (germline): Uncertain significance (1 of 4 stars; one submission).

Conditions:
Spastic paraplegia. Identifiers: MedGen C0037772, HP:0001258.

Allele frequency attached by ClinVar (database versions not stated): TOPMed below 0.00001; gnomAD 0.00001.
gnomAD v4.1: 1 of 1,613,950 alleles (0.000062%); highest among the groups gnomAD compares: Non-Finnish European, 0.000085%; no homozygotes.

Submission:

Labcorp Genetics (formerly Invitae), Labcorp
Classification: Uncertain significance for Spastic paraplegia. Last evaluated: 2023-12-19. Review status: criteria provided, single submitter. Criteria: Invitae Variant Classification Sherloc (09022015). Collection method: clinical testing. Allele origin: germline.
Comment: This sequence change replaces glutamine, which is neutral and polar, with arginine, which is basic and polar, at codon 322 of the KIF5A protein (p.Gln322Arg). This variant is not present in population databases (gnomAD no frequency). This variant has not been reported in the literature in individuals affected with KIF5A-related conditions. ClinVar contains an entry for this variant (Variation ID: 2417602). Advanced modeling of protein sequence and biophysical properties (such as structural, functional, and spatial information, amino acid conservation, physicochemical variation, residue mobility, and thermodynamic stability) has been performed at Invitae for this missense variant, however the output from this modeling did not meet the statistical confidence thresholds required to predict the impact of this variant on KIF5A protein function. Algorithms developed to predict the effect of sequence changes on RNA splicing suggest that this variant may disrupt the consensus splice site. In summary, the available evidence is currently insufficient to determine the role of this variant in disease. Therefore, it has been classified as a Variant of Uncertain Significance.

NM_004984.4(KIF5A):c.965A>G (p.Gln322Arg)

Gene: KIF5A (kinesin family member 5A; plus strand). Cytogenetic location: 12q13.3.
Variant type: single nucleotide variant.
Coding change: c.965A>G on transcript NM_004984.4 (MANE Select); coding-DNA position 965, A replaced by G.
Protein change: p.Gln322Arg; replaces glutamine 322 with arginine.
Molecular consequence: missense variant.
Genome position (GRCh38, 1-based): chr12:57,569,401, A>G. VCF-style: chr12-57569401-A-G. GRCh37 (hg19) VCF-style: chr12-57963184-A-G.
Other names: c.698A>G, p.Gln233Arg (NM_001354705.2); short protein forms Q233R, Q322R.
Identifiers: ClinVar variation 2417602 (VCV002417602.6), dbSNP rs1882172968, ClinGen allele CA385501069.
Genomic context (GRCh38, chr12:57,569,401, plus strand): 5'-TCTGTTGCTCACCATCCAGTTATAATGATGCAGAGACCAAGTCCACCCTGATGTTTGGGC[A>G]GCGGTCAGTGGCAGGGTCCCCAGAGGGATCCCTGGTACCCAGCTTCCCATCCCAGCCTCT-3'
Protein context (NP_004975.2, residues 312-332): AETKSTLMFG[Gln322Arg]RAKTIKNTAS